The following is an entry in ClinVar:

NM_001458.5(FLNC):c.8002A>G (p.Met2668Val)

Genes: FLNC-AS1 (FLNC antisense RNA 1; minus strand), FLNC (filamin C; plus strand). Cytogenetic location: 7q32.1.
Variant type: single nucleotide variant.
Coding change: c.8002A>G on transcript NM_001458.5 (MANE Select); coding-DNA position 8002, A replaced by G.
Protein change: p.Met2668Val; replaces methionine 2668 with valine.
Molecular consequence: missense variant.
Genome position (GRCh38, 1-based): chr7:128,858,347, A>G. VCF-style: chr7-128858347-A-G. GRCh37 (hg19) VCF-style: chr7-128498401-A-G.
Other names: c.7903A>G, p.Met2635Val (NM_001127487.2); short protein forms M2668V, M2635V.
Identifiers: ClinVar variation 2942321 (VCV002942321.3), dbSNP rs2536673625, ClinGen allele CA369221047.

ClinVar aggregate classification (germline): Uncertain significance (1 of 4 stars; one submission).

Conditions:
Hypertrophic cardiomyopathy 26. Also called: Cardiomyopathy, familial hypertrophic, 26. Identifiers: Orphanet 75249, MedGen C4310749, MONDO:0014883, OMIM 617047.
Myofibrillar myopathy 5. Also called: Filaminopathy (type); FILAMINOPATHY, AUTOSOMAL DOMINANT. Identifiers: Orphanet 171445, MedGen C1836050, MONDO:0012289, OMIM 609524.
Distal myopathy with posterior leg and anterior hand involvement. Also called: WILLIAMS DISTAL MYOPATHY. Identifiers: Orphanet 63273, MedGen C3279722, MONDO:0013550, OMIM 614065.

Submission:

Labcorp Genetics (formerly Invitae), Labcorp
Classification: Uncertain significance for Distal myopathy with posterior leg and anterior hand involvement; Myofibrillar myopathy 5; Hypertrophic cardiomyopathy 26. Last evaluated: 2023-03-11. Review status: criteria provided, single submitter. Criteria: Invitae Variant Classification Sherloc (09022015). Collection method: clinical testing. Allele origin: germline.
Comment: This variant is not present in population databases (gnomAD no frequency). In summary, the available evidence is currently insufficient to determine the role of this variant in disease. Therefore, it has been classified as a Variant of Uncertain Significance. Advanced modeling of protein sequence and biophysical properties (such as structural, functional, and spatial information, amino acid conservation, physicochemical variation, residue mobility, and thermodynamic stability) performed at Invitae indicates that this missense variant is not expected to disrupt FLNC protein function. This variant has not been reported in the literature in individuals affected with FLNC-related conditions. This sequence change replaces methionine, which is neutral and non-polar, with valine, which is neutral and non-polar, at codon 2668 of the FLNC protein (p.Met2668Val).